The following is an entry in ClinVar:

NM_000548.5(TSC2):c.4849+97del

Gene: TSC2 (TSC complex subunit 2; plus strand). Cytogenetic location: 16p13.3.
Variant type: Deletion.
Coding change: c.4849+97del on transcript NM_000548.5 (MANE Select); 97 bases into the intron after coding-DNA position 4849, one base deleted (A; older notation c.4849+97delA).
Molecular consequence: intron variant.
Genome position (GRCh38, 1-based): chr16:2,086,476, A deleted. VCF-style (leftmost placement, unchanged base first): chr16-2086475-CA-C. GRCh37 (hg19) VCF-style: chr16-2136476-CA-C.
Other names: c.4780+97del (NM_001114382.3); c.4720+97del (NM_021055.3, NM_001370405.1); c.4651+97del (NM_001363528.2); c.4717+97del (NM_001370404.1); c.4648+97del (NM_001077183.3); c.4540+97del (NM_001318827.2); c.4117+97del (NM_001318831.2); c.4504+97del (NM_001318829.2); and 1 more.
Identifiers: ClinVar variation 64999 (VCV000064999.2), dbSNP rs142421783, ClinGen allele CA264488.
Genomic context (GRCh38, chr16:2,086,475, plus strand): 5'-GGCCTCAGGGCACGGCTCCCATCCAGTCCTGCTACCCCACGCCCTGGGGCATGGCCCTGG[CA>C]CCCCCACCTGCTCCAGCTCCCCACGCCTCAGGTTCCGAGCCTAACAGCGTGGGCATGGAG-3'

ClinVar aggregate classification (germline): Benign. Review status: criteria provided, single submitter (1 of 4 stars). 2 submissions from 2 submitters: Benign (1). 1 of the submissions does not count toward it. Last evaluated 2018-06-14.

Conditions:
Tuberous sclerosis syndrome (TSC). Also called: Tuberous Sclerosis Complex; Tuberous sclerosis. Identifiers: Orphanet 805, MedGen C0041341, MONDO:0001734.

Allele frequency attached by ClinVar (database versions not stated): gnomAD exomes 0.00486; gnomAD 0.05025 and 0.05406; 1000 Genomes Project 0.05591; TOPMed 0.05731; 1000 Genomes Project 30x 0.05918.

Submissions (2):

GeneDx
Classification: Benign. Last evaluated: 2018-06-14. Review status: criteria provided, single submitter. Criteria: GeneDx Variant Classification (06012015). Collection method: clinical testing. Allele origin: germline. Affected: yes.
Comment: This variant is considered likely benign or benign based on one or more of the following criteria: it is a conservative change, it occurs at a poorly conserved position in the protein, it is predicted to be benign by multiple in silico algorithms, and/or has population frequency not consistent with disease.

Tuberous sclerosis database (TSC2)
No classification provided. Condition: TSC. Review status: no classification provided. Criteria: Tuberous Sclerosis Database Assertion Criteria 2015. Collection method: curation. Allele origin: germline. Affected: yes. Not counted in ClinVar's aggregate classification.